The following is an entry in ClinVar:

ClinVar aggregate classification (germline): Likely benign (1 of 4 stars; one submission).

Conditions:
ARHGAP35-related condition.

gnomAD v4.1: 16 of 1,613,934 alleles (0.00099%); highest among the groups gnomAD compares: African/African-American, 0.0013%; no homozygotes.

Submission:

PreventionGenetics, part of Exact Sciences
Classification: Likely benign for ARHGAP35-related condition. Last evaluated: 2025-10-19. Review status: criteria provided, single submitter. Criteria: ACMG Guidelines, 2015. Collection method: clinical testing. Allele origin: germline.
Comment: This variant is classified as likely benign based on ACMG/AMP sequence variant interpretation guidelines (Richards et al. 2015 PMID: 25741868, with internal and published modifications).

NM_004491.5(ARHGAP35):c.1053T>G (p.Leu351=)

Gene: ARHGAP35 (Rho GTPase activating protein 35; plus strand). Cytogenetic location: 19q13.32.
Variant type: single nucleotide variant.
Coding change: c.1053T>G on transcript NM_004491.5 (MANE Select); coding-DNA position 1053, T replaced by G.
Protein change: p.Leu351=; no amino-acid change (leucine 351 retained).
Molecular consequence: synonymous variant.
Genome position (GRCh38, 1-based): chr19:46,919,728, T>G. VCF-style: chr19-46919728-T-G. GRCh37 (hg19) VCF-style: chr19-47422985-T-G.
Identifiers: ClinVar variation 5000085 (VCV005000085.1).